The following is an entry in ClinVar:

ClinVar aggregate classification (germline): Benign/Likely benign. Review status: criteria provided, multiple submitters, no conflicts (2 of 4 stars). 6 submissions from 6 submitters: Benign (5); Likely benign (1). Last evaluated 2026-04-14.

Conditions:
Familial intrahepatic cholestasis. Identifiers: Orphanet 284385, MedGen CN296401, MONDO:0017290.
Progressive familial intrahepatic cholestasis type 1. Also called: BYLER DISEASE; Byler's disease; Severe ATP8B1 Deficiency (Progressive Familial Intrahepatic Cholestasis Type 1 [PFIC1]). Identifiers: Orphanet 79306, MedGen C4551898, MONDO:0008892, OMIM 211600.

Allele frequency attached by ClinVar (database versions not stated): 1000 Genomes Project 30x 0.00453; 1000 Genomes Project 0.00459; ExAC 0.00879; ESP Exome Variant Server 0.00936; gnomAD 0.00936 and 0.00974; gnomAD exomes 0.00943 and 0.01470; TOPMed 0.01082.
gnomAD v4.1: 22,825 of 1,610,924 alleles (1.4%); highest among the groups gnomAD compares: Middle Eastern, 1.9%; 216 homozygotes.

Submissions (6):

Genomenon, Inc
Classification: Benign for Familial intrahepatic cholestasis. Last evaluated: 2026-04-14. Review status: criteria provided, single submitter. Criteria: Genomenon Sequence Variant Interpretation Standards - Updated. Collection method: curation. Allele origin: germline. Affected: no.
Comment: ATP8B1 c.*11C>T is a variant located in the 3′ untranslated region (3′ UTR). This variant is present at high allele frequency in population databases. In conclusion, we classify ATP8B1 c.*11C>T as a benign variant.

Mayo Clinic Laboratories, Mayo Clinic
Classification: Likely benign. Last evaluated: 2025-07-15. Review status: criteria provided, single submitter. Criteria: ACMG Guidelines, 2015. Collection method: clinical testing. Allele origin: germline. Observed: 9 variant alleles.

Illumina Laboratory Services, Illumina
Classification: Benign for Progressive familial intrahepatic cholestasis type 1. Last evaluated: 2018-01-13. Review status: criteria provided, single submitter. Criteria: ICSL Variant Classification Criteria 13 December 2019. Collection method: clinical testing. Allele origin: germline.
Comment: This variant was observed in the ICSL laboratory as part of a predisposition screen in an ostensibly healthy population. It had not been previously curated by ICSL or reported in the Human Gene Mutation Database (HGMD: prior to June 1st, 2018), and was therefore a candidate for classification through an automated scoring system. Utilizing variant allele frequency, disease prevalence and penetrance estimates, and inheritance mode, an automated score was calculated to assess if this variant is too frequent to cause the disease. Based on the score and internal cut-off values, a variant classified as benign is not then subjected to further curation. The score for this variant resulted in a classification of benign for this disease.

GeneDx
Classification: Benign. Last evaluated: 2016-10-13. Review status: criteria provided, single submitter. Criteria: GeneDx Variant Classification (06012015). Collection method: clinical testing. Allele origin: germline. Affected: yes.
Comment: This variant is considered likely benign or benign based on one or more of the following criteria: it is a conservative change, it occurs at a poorly conserved position in the protein, it is predicted to be benign by multiple in silico algorithms, and/or has population frequency not consistent with disease.

Breakthrough Genomics
Classification: Benign. Review status: criteria provided, single submitter. Criteria: ACMG Guidelines, 2015. Collection method: not provided. Allele origin: germline. Inheritance: Autosomal recessive inheritance. Affected: yes.

PreventionGenetics, part of Exact Sciences
Classification: Benign. Review status: criteria provided, single submitter. Criteria: ACMG Guidelines, 2015. Collection method: clinical testing. Allele origin: germline.

NM_001374385.1(ATP8B1):c.*11C>T

Genes: ATP8B1 (ATPase phospholipid transporting 8B1; minus strand), ATP8B1-AS1 (ATP8B1 antisense RNA 1; plus strand). Cytogenetic location: 18q21.31.
Variant type: single nucleotide variant.
Coding change: c.*11C>T on transcript NM_001374385.1 (MANE Select); 11 bases downstream of the stop codon, C replaced by T.
Molecular consequence: 3 prime UTR variant.
Genome position (GRCh38, 1-based): chr18:57,648,477, G>A on the plus strand (C>T on the coding strand, the complement: ATP8B1 is on the minus strand). VCF-style: chr18-57648477-G-A. GRCh37 (hg19) VCF-style: chr18-55315709-G-A.
Other names: c.*11C>T (NM_001374386.1, NM_005603.6).
Identifiers: ClinVar variation 259814 (VCV000259814.9), dbSNP rs34255016, ClinGen allele CA8973913.